The following is an entry in ClinVar:

ClinVar aggregate classification (germline): Uncertain significance (1 of 4 stars; one submission).

Conditions:
Parenti-mignot neurodevelopmental syndrome. Identifiers: MedGen C5676984, MONDO:0859249, OMIM 619873.

gnomAD v4.1: 1 of 1,614,188 alleles (0.000062%); highest among the groups gnomAD compares: South Asian, 0.0011%; no homozygotes.

Submission:

Neuberg Centre For Genomic Medicine, NCGM
Classification: Uncertain significance for Parenti-mignot neurodevelopmental syndrome. Last evaluated: 2023-06-02. Review status: criteria provided, single submitter. Criteria: ACMG Guidelines, 2015. Collection method: clinical testing. Allele origin: germline. Inheritance: Autosomal dominant inheritance. Affected: yes.
Comment: The observed missense c.1716C>A(p.Asp572Glu) variant in CHD5 gene has not been reported previously as a pathogenic variant nor a benign variant, to our knowledge. The p.Asp572Glu variant is absent in gnomAD Exomes. This variant has not been submitted to the ClinVar database. Multiple lines of computational evidences (Polyphen - Probably damaging, SIFT - Tolerated and MutationTaster - Disease causing) predict conflicting evidence on protein structure and function for this variant. The reference amino acid change at thi sposition on CHD5 gene is predicted as conserved by GERP++ and PhyloP across 100 vertebrates. The amino acid Asp at position 572 is changed to a Glu changing protein sequence and it might alter its composition and physico-chemical properties. For these reasons, this variant has been classified as a Variant of Uncertain Significance (VUS).

NM_015557.3(CHD5):c.1716C>A (p.Asp572Glu)

Gene: CHD5 (chromodomain helicase DNA binding protein 5; minus strand). Cytogenetic location: 1p36.31.
Variant type: single nucleotide variant.
Coding change: c.1716C>A on transcript NM_015557.3 (MANE Select); coding-DNA position 1716, C replaced by A.
Protein change: p.Asp572Glu; replaces aspartic acid 572 with glutamic acid.
Molecular consequence: missense variant.
Genome position (GRCh38, 1-based): chr1:6,146,298, G>T on the plus strand (C>A on the coding strand, the complement: CHD5 is on the minus strand). VCF-style: chr1-6146298-G-T. GRCh37 (hg19) VCF-style: chr1-6206358-G-T.
Other names: short protein forms D572E.
Identifiers: ClinVar variation 3362289 (VCV003362289.3).